The following is an entry in ClinVar:

ClinVar aggregate classification (germline): Uncertain significance (1 of 4 stars; one submission).

Conditions:
Hereditary cancer-predisposing syndrome. Also called: Neoplastic Syndromes, Hereditary; Tumor predisposition; Hereditary neoplastic syndrome; Hereditary Cancer Syndrome. Identifiers: Orphanet 140162, MedGen C0027672, MeSH D009386, MONDO:0015356.
Cardiovascular phenotype. Identifiers: MedGen CN230736.

Submission:

Ambry Genetics
Classification: Uncertain significance for Cardiovascular phenotype; Hereditary cancer-predisposing syndrome. Last evaluated: 2023-04-06. Review status: criteria provided, single submitter. Criteria: Ambry Variant Classification Scheme 2023. Collection method: clinical testing. Allele origin: germline.
Comment: The p.P566S variant (also known as c.1696C>T), located in coding exon 15 of the NF1 gene, results from a C to T substitution at nucleotide position 1696. The proline at codon 566 is replaced by serine, an amino acid with similar properties. This amino acid position is conserved. In addition, the in silico prediction for this alteration is inconclusive. Since supporting evidence is limited at this time, the clinical significance of this alteration remains unclear.

NM_001042492.3(NF1):c.1696C>T (p.Pro566Ser)

Gene: NF1 (neurofibromin 1; plus strand). Cytogenetic location: 17q11.2.
Variant type: single nucleotide variant.
Coding change: c.1696C>T on transcript NM_001042492.3 (MANE Select); coding-DNA position 1696, C replaced by T.
Protein change: p.Pro566Ser; replaces proline 566 with serine.
Molecular consequence: missense variant.
Genome position (GRCh38, 1-based): chr17:31,221,904, C>T. VCF-style: chr17-31221904-C-T. GRCh37 (hg19) VCF-style: chr17-29548922-C-T.
Other names: c.1696C>T, p.Pro566Ser (NM_000267.4, NM_001128147.3); short protein forms P566S.
Identifiers: ClinVar variation 3238435 (VCV003238435.1), dbSNP rs2066928875.